The following is an entry in ClinVar:

ClinVar aggregate classification (germline): Uncertain significance. Review status: criteria provided, multiple submitters, no conflicts (2 of 4 stars). 5 submissions from 5 submitters: Uncertain significance (5). Last evaluated 2025-01-30.

Conditions:
Cardiovascular phenotype. Identifiers: MedGen CN230736.
Hereditary cancer-predisposing syndrome. Also called: Neoplastic Syndromes, Hereditary; Tumor predisposition; Hereditary Cancer Syndrome; Hereditary neoplastic syndrome. Identifiers: Orphanet 140162, MedGen C0027672, MeSH D009386, MONDO:0015356.
LZTR1-related schwannomatosis. Also called: Schwannomatosis-2, susceptibility to; Schwannomatosis 2. Identifiers: Orphanet 93921, MedGen C3810283, MONDO:0014299, OMIM 615670.

Allele frequency attached by ClinVar (database versions not stated): gnomAD exomes below 0.00001; TOPMed 0.00002.

Submissions (5):

Ambry Genetics
Classification: Uncertain significance for Cardiovascular phenotype; Hereditary cancer-predisposing syndrome. Last evaluated: 2025-01-30. Review status: criteria provided, single submitter. Criteria: Ambry Variant Classification Scheme 2023. Collection method: clinical testing. Allele origin: germline.
Comment: The c.1666A>G variant (also known as p.S556G), located in coding exon 15 of the LZTR1 gene, results from an A to G substitution at nucleotide position 1666. The serine at codon 556 is replaced by glycine, an amino acid with similar properties. This alteration has been reported in the compound heterozygous state in conjunction with a pathogenic LZTR1 truncation in a patient with features of Noonan syndrome (Mena R et al. Am J Med Genet C Semin Med Genet, 2020 12;184:996-1008). This nucleotide position is not well conserved in available vertebrate species. In silico splice site analysis predicts that this alteration may result in the creation or strengthening of a novel splice acceptor site. RNA studies have demonstrated that this alteration results in an incomplete splice defect; the clinical impact of this abnormal splicing is unknown at this time (Ambry internal data). Based on the available evidence, the clinical significance of this variant remains unclear.

Labcorp Genetics (formerly Invitae), Labcorp
Classification: Uncertain significance. Last evaluated: 2024-09-14. Review status: criteria provided, single submitter. Criteria: Invitae Variant Classification Sherloc (09022015). Collection method: clinical testing. Allele origin: germline.
Comment: This sequence change replaces serine, which is neutral and polar, with glycine, which is neutral and non-polar, at codon 556 of the LZTR1 protein (p.Ser556Gly). This variant is not present in population databases (gnomAD no frequency). This variant has not been reported in the literature in individuals affected with LZTR1-related conditions. ClinVar contains an entry for this variant (Variation ID: 1777571). Invitae Evidence Modeling of protein sequence and biophysical properties (such as structural, functional, and spatial information, amino acid conservation, physicochemical variation, residue mobility, and thermodynamic stability) indicates that this missense variant is not expected to disrupt LZTR1 protein function with a negative predictive value of 80%. Algorithms developed to predict the effect of sequence changes on RNA splicing suggest that this variant may create or strengthen a splice site. In summary, the available evidence is currently insufficient to determine the role of this variant in disease. Therefore, it has been classified as a Variant of Uncertain Significance.

GeneDx
Classification: Uncertain significance. Last evaluated: 2024-09-05. Review status: criteria provided, single submitter. Criteria: GeneDx Variant Classification Process June 2021. Collection method: clinical testing. Allele origin: germline. Affected: yes.
Comment: Not observed at significant frequency in large population cohorts (gnomAD); In silico analysis suggests this variant may impact gene splicing. In the absence of RNA/functional studies, the actual effect of this sequence change is unknown; In silico analysis indicates that this missense variant does not alter protein structure/function; This variant is associated with the following publications: (PMID: 33219631)

Baylor Genetics
Classification: Uncertain significance for LZTR1-related schwannomatosis. Last evaluated: 2023-03-19. Review status: criteria provided, single submitter. Criteria: ACMG Guidelines, 2015. Collection method: clinical testing. Allele origin: unknown.

Revvity Omics, Revvity
Classification: Uncertain significance. Last evaluated: 2019-08-08. Review status: criteria provided, single submitter. Criteria: ACMG Guidelines, 2015. Collection method: clinical testing. Allele origin: germline.

Literature cited by the submitters: PubMed 33219631 (cited by Ambry Genetics).

NM_006767.4(LZTR1):c.1666A>G (p.Ser556Gly)

Gene: LZTR1 (leucine zipper like post translational regulator 1; plus strand). Cytogenetic location: 22q11.21.
Variant type: single nucleotide variant.
Coding change: c.1666A>G on transcript NM_006767.4 (MANE Select); coding-DNA position 1666, A replaced by G.
Protein change: p.Ser556Gly; replaces serine 556 with glycine.
Molecular consequence: missense variant.
Genome position (GRCh38, 1-based): chr22:20,994,608, A>G. VCF-style: chr22-20994608-A-G. GRCh37 (hg19) VCF-style: chr22-21348897-A-G.
Other names: short protein forms S556G.
Identifiers: ClinVar variation 1777571 (VCV001777571.12), dbSNP rs1199603159, ClinGen allele CA410776740.